The following is an entry in ClinVar:

NM_022124.6(CDH23):c.8078C>T (p.Ala2693Val)

Gene: CDH23 (cadherin related 23; plus strand). Cytogenetic location: 10q22.1.
Variant type: single nucleotide variant.
Coding change: c.8078C>T on transcript NM_022124.6 (MANE Select); coding-DNA position 8078, C replaced by T.
Protein change: p.Ala2693Val; replaces alanine 2693 with valine.
Molecular consequence: missense variant.
Genome position (GRCh38, 1-based): chr10:71,806,181, C>T. VCF-style: chr10-71806181-C-T. GRCh37 (hg19) VCF-style: chr10-73565938-C-T.
Other names: c.1358C>T, p.Ala453Val (NM_001171933.1, NM_001171934.1); short protein forms A2693V, A453V.
Identifiers: ClinVar variation 2085296 (VCV002085296.1), dbSNP rs975295198, ClinGen allele CA209474380.
Genomic context (GRCh38, chr10:71,806,181, plus strand): 5'-ATCCCCTCTCCCAGTCTTTTCCTCTGACTGTGCTCTTCCGCTCCTAGCTCATCTTGGTGG[C>T]CAGCGACCTGGGCCAGCCAGTGCCATACGAGACTATGCAGCCGCTGCAGGTGGCCCTGGA-3'
Protein context (NP_071407.4, residues 2683-2703): SQAVYSLILV[Ala2693Val]SDLGQPVPYE

ClinVar aggregate classification (germline): Uncertain significance (1 of 4 stars; one submission).

Allele frequency attached by ClinVar (database versions not stated): gnomAD exomes below 0.00001.
gnomAD v4.1: 1 of 1,564,294 alleles (0.000064%); highest among the groups gnomAD compares: Non-Finnish European, 0.000087%; no homozygotes.

Submission:

Labcorp Genetics (formerly Invitae), Labcorp
Classification: Uncertain significance. Last evaluated: 2022-01-16. Review status: criteria provided, single submitter. Criteria: Invitae Variant Classification Sherloc (09022015). Collection method: clinical testing. Allele origin: germline.
Comment: This sequence change replaces alanine, which is neutral and non-polar, with valine, which is neutral and non-polar, at codon 2693 of the CDH23 protein (p.Ala2693Val). This variant is not present in population databases (gnomAD no frequency). This variant has not been reported in the literature in individuals affected with CDH23-related conditions. Algorithms developed to predict the effect of missense changes on protein structure and function are either unavailable or do not agree on the potential impact of this missense change (SIFT: "Deleterious"; PolyPhen-2: "Not Available"; Align-GVGD: "Class C0"). Algorithms developed to predict the effect of sequence changes on RNA splicing suggest that this variant may create or strengthen a splice site. In summary, the available evidence is currently insufficient to determine the role of this variant in disease. Therefore, it has been classified as a Variant of Uncertain Significance.